The following is an entry in ClinVar:

NM_001365951.3(KIF1B):c.3050A>C (p.Glu1017Ala)

Gene: KIF1B (kinesin family member 1B; plus strand). Cytogenetic location: 1p36.22.
Variant type: single nucleotide variant.
Coding change: c.3050A>C on transcript NM_001365951.3 (MANE Select); coding-DNA position 3050, A replaced by C.
Protein change: p.Glu1017Ala; replaces glutamic acid 1017 with alanine.
Molecular consequence: missense variant.
Genome position (GRCh38, 1-based): chr1:10,336,663, A>C. VCF-style: chr1-10336663-A-C. GRCh37 (hg19) VCF-style: chr1-10396721-A-C.
Other names: c.3050A>C, p.Glu1017Ala (NM_001365952.1); c.2912A>C, p.Glu971Ala (NM_015074.3); short protein forms E971A, E1017A.
Identifiers: ClinVar variation 1797592 (VCV001797592.4), dbSNP rs1224218712, ClinGen allele CA338339256.

ClinVar aggregate classification (germline): Uncertain significance (1 of 4 stars; one submission).

Allele frequency attached by ClinVar (database versions not stated): gnomAD exomes below 0.00001; gnomAD 0.00001; TOPMed 0.00003.
gnomAD v4.1: 7 of 1,613,724 alleles (0.00043%); highest among the groups gnomAD compares: African/African-American, 0.008%; no homozygotes.

Submission:

Ambry Genetics
Classification: Uncertain significance. Last evaluated: 2025-11-25. Review status: criteria provided, single submitter. Criteria: Ambry Variant Classification Scheme 2023. Collection method: clinical testing. Allele origin: germline.
Comment: The p.E971A variant (also known as c.2912A>C), located in coding exon 26 of the KIF1B gene, results from an A to C substitution at nucleotide position 2912. The glutamic acid at codon 971 is replaced by alanine, an amino acid with dissimilar properties. This amino acid position is highly conserved in available vertebrate species. In addition, the in silico prediction for this alteration is inconclusive. Since supporting evidence is limited at this time, the clinical significance of this alteration remains unclear.